The following is an entry in ClinVar:

NM_001382567.1(STIM1):c.1447G>A (p.Glu483Lys)

Gene: STIM1 (stromal interaction molecule 1; plus strand). Cytogenetic location: 11p15.4.
Variant type: single nucleotide variant.
Coding change: c.1447G>A on transcript NM_001382567.1 (MANE Select); coding-DNA position 1447, G replaced by A.
Protein change: p.Glu483Lys; replaces glutamic acid 483 with lysine.
Molecular consequence: missense variant. On other transcripts: non-coding transcript variant (2).
Genome position (GRCh38, 1-based): chr11:4,083,471, G>A. VCF-style: chr11-4083471-G-A. GRCh37 (hg19) VCF-style: chr11-4104701-G-A.
Other names: c.1447G>A, p.Glu483Lys (NM_001277961.3, NM_001277962.2, NM_003156.4); c.1225G>A, p.Glu409Lys (NM_001382566.1, NM_001382573.1, NM_001382575.1 and 4 more transcripts); c.1468G>A, p.Glu490Lys (NM_001382568.1); c.1312G>A, p.Glu438Lys (NM_001382569.1); c.1219G>A, p.Glu407Lys (NM_001382570.1); c.967G>A, p.Glu323Lys (NM_001382571.1); c.958G>A, p.Glu320Lys (NM_001382580.1, NM_001382581.1); short protein forms E483K, E320K, E323K, E407K, E409K, E438K, E490K.
Identifiers: ClinVar variation 858407 (VCV000858407.12), dbSNP rs1449184284, ClinGen allele CA379194493.
Genomic context (GRCh38, chr11:4,083,471, plus strand): 5'-AGTACACGCCCCAACCCTGCTCACTTCATCATGACTGACGACGTGGATGACATGGATGAG[G>A]AGATTGTGTCTCCCTTGTCCATGCAGTGTAGGTGACCTCTTTGCGGGGATGAAGGAAGGA-3'
Protein context (NP_001369496.1, residues 473-493): MTDDVDDMDE[Glu483Lys]IVSPLSMQYA

ClinVar aggregate classification (germline): Uncertain significance. Review status: criteria provided, multiple submitters, no conflicts (2 of 4 stars). 3 submissions from 3 submitters: Uncertain significance (3). Last evaluated 2025-08-12.

Conditions:
Inborn genetic diseases. Identifiers: MedGen C0950123, MeSH D030342.
Stormorken syndrome (STRMK). Also called: THROMBOCYTOPATHY, ASPLENIA, AND MIOSIS. Identifiers: Orphanet 3204, MedGen C1861451, MONDO:0008497, OMIM 185070.
Combined immunodeficiency due to STIM1 deficiency. Also called: STIM1 DEFICIENCY; IMMUNODEFICIENCY 10. Identifiers: Orphanet 169090, Orphanet 317430, MedGen C2748557, MONDO:0013008, OMIM 612783.
Myopathy with tubular aggregates (TAM). Also called: Tubular Aggregate Myopathy. Identifiers: Orphanet 2593, MedGen C0410207, MONDO:0008051.

Allele frequency attached by ClinVar (database versions not stated): gnomAD exomes below 0.00001 and 0.00001; TOPMed below 0.00001.
gnomAD v4.1: 5 of 1,614,170 alleles (0.00031%); highest among the groups gnomAD compares: Admixed American, 0.0033%; no homozygotes.

Submissions (3):

Ambry Genetics
Classification: Uncertain significance for Inborn genetic diseases. Last evaluated: 2025-08-12. Review status: criteria provided, single submitter. Criteria: Ambry Variant Classification Scheme 2023. Collection method: clinical testing. Allele origin: germline.

Labcorp Genetics (formerly Invitae), Labcorp
Classification: Uncertain significance for Myopathy with tubular aggregates; Combined immunodeficiency due to STIM1 deficiency; Stormorken syndrome. Last evaluated: 2024-05-21. Review status: criteria provided, single submitter. Criteria: Invitae Variant Classification Sherloc (09022015). Collection method: clinical testing. Allele origin: germline.
Comment: This sequence change replaces glutamic acid, which is acidic and polar, with lysine, which is basic and polar, at codon 483 of the STIM1 protein (p.Glu483Lys). This variant is present in population databases (no rsID available, gnomAD 0.003%). This variant has not been reported in the literature in individuals affected with STIM1-related conditions. ClinVar contains an entry for this variant (Variation ID: 858407). Advanced modeling of protein sequence and biophysical properties (such as structural, functional, and spatial information, amino acid conservation, physicochemical variation, residue mobility, and thermodynamic stability) performed at Invitae indicates that this missense variant is not expected to disrupt STIM1 protein function with a negative predictive value of 80%. In summary, the available evidence is currently insufficient to determine the role of this variant in disease. Therefore, it has been classified as a Variant of Uncertain Significance.

GeneDx
Classification: Uncertain significance. Last evaluated: 2023-12-07. Review status: criteria provided, single submitter. Criteria: GeneDx Variant Classification Process June 2021. Collection method: clinical testing. Allele origin: germline. Affected: yes.
Comment: Not observed at significant frequency in large population cohorts (gnomAD); In silico analysis supports that this missense variant does not alter protein structure/function; Has not been previously published as pathogenic or benign to our knowledge